The following is an entry in ClinVar:

ClinVar aggregate classification (germline): Uncertain significance. Review status: criteria provided, multiple submitters, no conflicts (2 of 4 stars). 3 submissions from 3 submitters: Uncertain significance (3). Last evaluated 2022-06-24.

Conditions:
Fanconi anemia complementation group E (FANCE). Also called: FANCE-Related Fanconi Anemia. Identifiers: Orphanet 84, MedGen C3160739, MONDO:0010953, OMIM 600901.

Allele frequency attached by ClinVar (database versions not stated): gnomAD 0.00006.
gnomAD v4.1: 11 of 1,239,384 alleles (0.00089%); highest among the groups gnomAD compares: Admixed American, 0.042%; no homozygotes.

Submissions (3):

Labcorp Genetics (formerly Invitae), Labcorp
Classification: Uncertain significance for Fanconi anemia complementation group E. Last evaluated: 2022-06-24. Review status: criteria provided, single submitter. Criteria: Invitae Variant Classification Sherloc (09022015). Collection method: clinical testing. Allele origin: germline.
Comment: This sequence change replaces alanine, which is neutral and non-polar, with threonine, which is neutral and polar, at codon 49 of the FANCE protein (p.Ala49Thr). This variant is not present in population databases (gnomAD no frequency). This variant has not been reported in the literature in individuals affected with FANCE-related conditions. Algorithms developed to predict the effect of missense changes on protein structure and function output the following: SIFT: "Tolerated"; PolyPhen-2: "Benign"; Align-GVGD: "Class C0". The threonine amino acid residue is found in multiple mammalian species, which suggests that this missense change does not adversely affect protein function. In summary, the available evidence is currently insufficient to determine the role of this variant in disease. Therefore, it has been classified as a Variant of Uncertain Significance.

AiLife Diagnostics
Classification: Uncertain significance. Last evaluated: 2020-05-13. Review status: criteria provided, single submitter. Criteria: ACMG Guidelines, 2015. Collection method: clinical testing. Allele origin: germline. Affected: yes. Observed: 1 variant allele.

Revvity Omics, Revvity
Classification: Uncertain significance for Fanconi anemia complementation group E. Last evaluated: 2019-10-03. Review status: criteria provided, single submitter. Criteria: ACMG Guidelines, 2015. Collection method: clinical testing. Allele origin: germline.

NM_021922.3(FANCE):c.145G>A (p.Ala49Thr)

Genes: FANCE (FA complementation group E; plus strand), LOC129996245 (ATAC-STARR-seq lymphoblastoid silent region 17092; plus strand). Cytogenetic location: 6p21.31.
Variant type: single nucleotide variant.
Coding change: c.145G>A on transcript NM_021922.3 (MANE Select); coding-DNA position 145, G replaced by A.
Protein change: p.Ala49Thr; replaces alanine 49 with threonine.
Molecular consequence: missense variant.
Genome position (GRCh38, 1-based): chr6:35,452,690, G>A. VCF-style: chr6-35452690-G-A. GRCh37 (hg19) VCF-style: chr6-35420467-G-A.
Other names: c.145G>A (NM_021922.2); short protein forms A49T.
Identifiers: ClinVar variation 1466115 (VCV001466115.9), dbSNP rs1225225979, ClinGen allele CA363770376.
Genomic context (GRCh38, chr6:35,452,690, plus strand): 5'-CTGCTGCAGGCGCTGCAGGCGGGGCCTGAGGGGGCGCGGCGCGGCCTGGGGGTGCTCCGG[G>A]CGCTGGGCAGCCGCGGCTGGGAGCCCTTCGACTGGGGTCGCTTGCTCGAGGCCCTGTGCC-3'
Protein context (NP_068741.1, residues 39-59): GARRGLGVLR[Ala49Thr]LGSRGWEPFD